The following is an entry in ClinVar:

ClinVar aggregate classification (germline): Pathogenic. Review status: criteria provided, multiple submitters, no conflicts (2 of 4 stars). 4 submissions from 4 submitters: Pathogenic (4). Last evaluated 2025-04-04.

Conditions:
Hereditary cancer-predisposing syndrome. Also called: Neoplastic Syndromes, Hereditary; Tumor predisposition; Hereditary Cancer Syndrome; Hereditary neoplastic syndrome. Identifiers: Orphanet 140162, MedGen C0027672, MeSH D009386, MONDO:0015356.
Breast-ovarian cancer, familial, susceptibility to, 2 (BROVCA2). Also called: BRCA2 Hereditary Breast and Ovarian Cancer. Identifiers: Orphanet 145, MedGen C2675520, MONDO:0012933, OMIM 612555. Disease mechanism: loss of function.
Hereditary breast ovarian cancer syndrome. Also called: Hereditary breast and ovarian cancer syndrome; Breast and ovarian cancer; Hereditary breast and ovarian cancer; Hereditary breast and/or ovarian cancer syndrome; BRCA1- and BRCA2-Associated Hereditary Breast and Ovarian Cancer; Hereditary breast and ovarian cancer syndrome (HBOC). Identifiers: Orphanet 145, MedGen C0677776, MeSH D061325, MONDO:0003582. Disease mechanism: loss of function.

Submissions (4):

Myriad Genetics, Inc.
Classification: Pathogenic for Breast-ovarian cancer, familial, susceptibility to, 2. Last evaluated: 2025-04-04. Review status: criteria provided, single submitter. Criteria: Myriad Autosomal Dominant, Autosomal Recessive and X-Linked Classification Criteria (2023). Collection method: clinical testing. Allele origin: unknown.
Comment: This variant is considered pathogenic. This variant creates a frameshift predicted to result in premature protein truncation.

Labcorp Genetics (formerly Invitae), Labcorp
Classification: Pathogenic for Hereditary breast ovarian cancer syndrome. Last evaluated: 2025-01-26. Review status: criteria provided, single submitter. Criteria: Invitae Variant Classification Sherloc (09022015). Collection method: clinical testing. Allele origin: germline.
Comment: This sequence change creates a premature translational stop signal (p.Asn1473Glnfs*8) in the BRCA2 gene. It is expected to result in an absent or disrupted protein product. Loss-of-function variants in BRCA2 are known to be pathogenic (PMID: 20104584). This variant is not present in population databases (gnomAD no frequency). This premature translational stop signal has been observed in individual(s) with breast cancer (PMID: 25480878). This variant is also known as 4644delGA (Stop1480). ClinVar contains an entry for this variant (Variation ID: 1740433). For these reasons, this variant has been classified as Pathogenic.

Women's Health and Genetics/Laboratory Corporation of America, LabCorp
Classification: Pathogenic for Hereditary breast ovarian cancer syndrome. Last evaluated: 2022-12-19. Review status: criteria provided, single submitter. Criteria: LabCorp Variant Classification Summary - May 2015. Collection method: clinical testing. Allele origin: germline.
Comment: Variant summary: BRCA2 c.4416_4417delGA (p.Asn1473GlnfsX8) results in a premature termination codon, predicted to cause a truncation of the encoded protein or absence of the protein due to nonsense mediated decay, which are commonly known mechanisms for disease. Truncations downstream of this position have been classified as pathogenic by our laboratory. The variant was absent in 248776 control chromosomes (gnomAD). c.4416_4417delGA has been reported in the literature in individuals affected with Hereditary Breast And/or Ovarian Cancer (examples: Wang_2015, Sun_2017, and Li_2021). These data indicate that the variant is likely to be associated with disease. To our knowledge, no experimental evidence demonstrating an impact on protein function has been reported. One clinical diagnostic laboratory has submitted clinical-significance assessments for this variant to ClinVar after 2014 and classified the variant as pathogenic. Based on the evidence outlined above, the variant was classified as pathogenic.

Ambry Genetics
Classification: Pathogenic for Hereditary cancer-predisposing syndrome. Last evaluated: 2022-05-06. Review status: criteria provided, single submitter. Criteria: Ambry Variant Classification Scheme 2023. Collection method: clinical testing. Allele origin: germline.
Comment: The c.4416_4417delGA pathogenic mutation, located in coding exon 10 of the BRCA2 gene, results from a deletion of two nucleotides at nucleotide positions 4416 to 4417, causing a translational frameshift with a predicted alternate stop codon (p.N1473Qfs*8). This alteration has been previously published as BRCA2 4644delGA within the literature. This variant is considered to be rare based on population cohorts in the Genome Aggregation Database (gnomAD). In addition to the clinical data presented in the literature, this alteration is expected to result in loss of function by premature protein truncation or nonsense-mediated mRNA decay. As such, this alteration is interpreted as a disease-causing mutation.

Literature cited by the submitters: PubMed 20104584 (cited by Labcorp Genetics (formerly Invitae), Labcorp); PubMed 25480878 (cited by 3 submitters); PubMed 26689913 (cited by Women's Health and Genetics/Laboratory Corporation of America, LabCorp); PubMed 28724667 (cited by Women's Health and Genetics/Laboratory Corporation of America, LabCorp); PubMed 31825140 (cited by Women's Health and Genetics/Laboratory Corporation of America, LabCorp); PubMed 34046351 (cited by Women's Health and Genetics/Laboratory Corporation of America, LabCorp).

NM_000059.4(BRCA2):c.4416_4417del (p.Asn1473fs)

Gene: BRCA2 (BRCA2 DNA repair associated; plus strand). Cytogenetic location: 13q13.1.
Variant type: Deletion.
Coding change: c.4416_4417del on transcript NM_000059.4 (MANE Select); coding-DNA positions 4416 to 4417, 2 bases deleted (GA; older notation c.4416_4417delGA).
Protein change: p.Asn1473fs; shifts the reading frame from asparagine 1473.
Molecular consequence: frameshift variant.
Genome position (GRCh38, 1-based): chr13:32,338,771-32,338,772, GA deleted; deleting any 2 consecutive bases within chr13:32,338,770-32,338,772 gives the same sequence; the c. name uses the placement nearest the transcript's 3' end. VCF-style (leftmost placement, unchanged base first): chr13-32338769-AAG-A. GRCh37 (hg19) VCF-style: chr13-32912906-AAG-A.
Other names: short protein forms N1473fs.
Identifiers: ClinVar variation 1740433 (VCV001740433.7), dbSNP rs1566230263, ClinGen allele CA919242573.